The following is an entry in ClinVar:

ClinVar aggregate classification (germline): Pathogenic. Review status: criteria provided, single submitter (1 of 4 stars). 2 submissions from 2 submitters: Pathogenic (1). 1 of the submissions does not count toward it. Last evaluated 2021-10-28.

Conditions:
Generalized epilepsy with febrile seizures plus, type 9 (GEFSP9). Also called: GEFS+, TYPE 9. Identifiers: Orphanet 36387, MedGen C4015395, MONDO:0014517, OMIM 616172.

Submissions (2):

Equipe Genetique des Anomalies du Developpement, Université de Bourgogne
Classification: Pathogenic for Generalized epilepsy with febrile seizures plus, type 9. Last evaluated: 2021-10-28. Review status: criteria provided, single submitter. Criteria: ACMG Guidelines, 2015. Collection method: clinical testing. Allele origin: maternal. Affected: yes.

Solve-RD Consortium
Classification: Likely pathogenic for Generalized epilepsy with febrile seizures plus, type 9. Last evaluated: 2022-06-01. Review status: no assertion criteria provided. Collection method: provider interpretation. Allele origin: inherited. Affected: yes. Not counted in ClinVar's aggregate classification.
Comment: Variant confirmed as disease-causing by referring clinical team

Variant identified during reanalysis of unsolved cases by the Solve-RD project. The Solve-RD project has received funding from the European Union’s Horizon 2020 research and innovation programme under grant agreement No 779257.

Literature cited by the submitters: PubMed 39825153 (cited by Solve-RD Consortium).

NM_052874.5(STX1B):c.160A>T (p.Lys54Ter)

Gene: STX1B (syntaxin 1B; minus strand). Cytogenetic location: 16p11.2.
Variant type: single nucleotide variant.
Coding change: c.160A>T on transcript NM_052874.5 (MANE Select); coding-DNA position 160, A replaced by T.
Protein change: p.Lys54Ter; replaces lysine 54 with a stop codon.
Molecular consequence: nonsense.
Genome position (GRCh38, 1-based): chr16:31,001,139, T>A on the plus strand (A>T on the coding strand, the complement: STX1B is on the minus strand). VCF-style: chr16-31001139-T-A. GRCh37 (hg19) VCF-style: chr16-31012460-T-A.
Other names: short protein forms K54*.
Identifiers: ClinVar variation 1308652 (VCV001308652.2), dbSNP rs2143677745, ClinGen allele CA395651539.
Genomic context (GRCh38, chr16:31,001,139, plus strand): 5'-GGCAGCCACACTCACTCTCATCTGGGTTGGGTGCGGCCAGGATGGCGCTATGCTGTTTTT[T>A]CACCTGCTCCACATCCTCCGACAGTTTCTCAATGCAGCCCCGGATCTCTTCCACCTGGAG-3'